The following is an entry in ClinVar:

ClinVar aggregate classification (germline): Pathogenic (1 of 4 stars; one submission).

Submission:

GeneDx
Classification: Pathogenic. Last evaluated: 2026-02-25. Review status: criteria provided, single submitter. Criteria: GeneDx Variant Classification Process June 2021. Collection method: clinical testing. Allele origin: germline.
Comment: Nonsense variant predicted to result in protein truncation, as the last 156 amino acid(s) are lost, and other loss-of-function variants have been reported downstream in HGMD; Has not been previously published as pathogenic or benign as a germline variant in in individuals with PPM1D-related disorder to our knowledge; This variant is associated with the following publications: (PMID: 24262437, 38132396, 30850729, 23649806, 24880341, 26823519, 31659152)

NM_003620.4(PPM1D):c.1349del (p.Phe449_Leu450insTer)

Gene: PPM1D (protein phosphatase, Mg2+/Mn2+ dependent 1D; plus strand). Cytogenetic location: 17q23.2.
Variant type: Deletion.
Coding change: c.1349del on transcript NM_003620.4 (MANE Select); coding-DNA position 1349, one base deleted (T; older notation c.1349delT).
Protein change: p.Phe449_Leu450insTer.
Molecular consequence: nonsense. On other transcripts: frameshift variant (1).
Genome position (GRCh38, 1-based): chr17:60,663,083, T deleted; the last of 6 consecutive T bases (chr17:60,663,078-60,663,083); deleting any one gives the same sequence. VCF-style (leftmost placement, unchanged base first): chr17-60663077-AT-A. GRCh37 (hg19) VCF-style: chr17-58740438-AT-A.
Other names: c.1349delT, p.Leu450Terfs (NM_003620.3).
Identifiers: ClinVar variation 4887838 (VCV004887838.1).
Genomic context (GRCh38, chr17:60,663,077, plus strand): 5'-CAAGGGTGAATTCTAAGGACCATATACCTGCCCTGGTTCGTAGCAATGCCTTCTCAGAGA[AT>A]TTTTTAGAGGTTTCAGCTGAGATAGCTCGAGAGAATGTCCAAGGTGTAGTCATACCCTCA-3'